The following is an entry in ClinVar:

NM_020631.6(PLEKHG5):c.269A>G (p.Glu90Gly)

Gene: PLEKHG5 (pleckstrin homology and RhoGEF domain containing G5; minus strand). Cytogenetic location: 1p36.31.
Variant type: single nucleotide variant.
Coding change: c.269A>G on transcript NM_020631.6 (MANE Select); coding-DNA position 269, A replaced by G.
Protein change: p.Glu90Gly; replaces glutamic acid 90 with glycine.
Molecular consequence: missense variant.
Genome position (GRCh38, 1-based): chr1:6,475,080, T>C on the plus strand (A>G on the coding strand, the complement: PLEKHG5 is on the minus strand). VCF-style: chr1-6475080-T-C. GRCh37 (hg19) VCF-style: chr1-6535140-T-C.
Other names: c.380A>G, p.Glu127Gly (NM_001042663.3, NM_001265592.2); c.269A>G, p.Glu90Gly (NM_001042664.2, NM_001042665.2, NM_001265594.3 and 1 more transcripts); c.476A>G, p.Glu159Gly (NM_001265593.2); short protein forms E127G, E159G, E90G.
Identifiers: ClinVar variation 940667 (VCV000940667.8), dbSNP rs1247695536, ClinGen allele CA338140035.

ClinVar aggregate classification (germline): Uncertain significance. Review status: criteria provided, multiple submitters, no conflicts (2 of 4 stars). 2 submissions from 2 submitters: Uncertain significance (2). Last evaluated 2021-08-27.

Conditions:
Inborn genetic diseases. Identifiers: MedGen C0950123, MeSH D030342.
Neuronopathy, distal hereditary motor, autosomal recessive 4. Also called: Autosomal recessive lower motor neuron disease with childhood onset; NEUROPATHY, DISTAL HEREDITARY MOTOR, AUTOSOMAL RECESSIVE 4. Identifiers: Orphanet 206580, MedGen C1970211, MONDO:0012608, OMIM 611067.
Charcot-Marie-Tooth disease recessive intermediate C. Also called: CHARCOT-MARIE-TOOTH NEUROPATHY, RECESSIVE INTERMEDIATE C. Identifiers: Orphanet 369867, MedGen C3809309, MONDO:0014154, OMIM 615376.

gnomAD v4.1: 2 of 1,611,502 alleles (0.00012%); highest among the groups gnomAD compares: Non-Finnish European, 0.00017%; no homozygotes.

Submissions (2):

Labcorp Genetics (formerly Invitae), Labcorp
Classification: Uncertain significance for Neuronopathy, distal hereditary motor, autosomal recessive 4; Charcot-Marie-Tooth disease recessive intermediate C. Last evaluated: 2021-08-27. Review status: criteria provided, single submitter. Criteria: Invitae Variant Classification Sherloc (09022015). Collection method: clinical testing. Allele origin: germline.
Comment: This sequence change replaces glutamic acid with glycine at codon 90 of the PLEKHG5 protein (p.Glu90Gly). The glutamic acid residue is moderately conserved and there is a moderate physicochemical difference between glutamic acid and glycine. This variant is not present in population databases (ExAC no frequency). This variant has not been reported in the literature in individuals affected with PLEKHG5-related conditions. Algorithms developed to predict the effect of missense changes on protein structure and function are either unavailable or do not agree on the potential impact of this missense change (SIFT: "Tolerated"; PolyPhen-2: "Possibly Damaging"; Align-GVGD: "Class C0"). In summary, the available evidence is currently insufficient to determine the role of this variant in disease. Therefore, it has been classified as a Variant of Uncertain Significance.

Ambry Genetics
Classification: Uncertain significance for Inborn genetic diseases. Last evaluated: 2021-05-14. Review status: criteria provided, single submitter. Criteria: Ambry Variant Classification Scheme 2023. Collection method: clinical testing. Allele origin: germline.
Comment: The p.E90G variant (also known as c.269A>G), located in coding exon 4 of the PLEKHG5 gene, results from an A to G substitution at nucleotide position 269. The glutamic acid at codon 90 is replaced by glycine, an amino acid with similar properties. This amino acid position is well conserved in available vertebrate species; however, glycine is the reference amino acid in other vertebrate species. In addition, the in silico prediction for this alteration is inconclusive. Since supporting evidence is limited at this time, the clinical significance of this alteration remains unclear.